The following is an entry in ClinVar:

NM_001134831.2(AHI1):c.455_456del (p.Ser152fs)

Gene: AHI1 (Abelson helper integration site 1; minus strand). Cytogenetic location: 6q23.3.
Variant type: Deletion.
Coding change: c.455_456del on transcript NM_001134831.2 (MANE Select); coding-DNA positions 455 to 456, 2 bases deleted (CT; older notation c.455_456delCT).
Protein change: p.Ser152fs; shifts the reading frame from serine 152.
Molecular consequence: frameshift variant.
Genome position (GRCh38, 1-based): chr6:135,466,107-135,466,108, AG deleted on the plus strand (CT on the coding strand, the reverse complement: AHI1 is on the minus strand); deleting any 2 consecutive bases within chr6:135,466,107-135,466,109 gives the same sequence; the c. name uses the placement nearest the transcript's 3' end. VCF-style (leftmost placement, unchanged base first): chr6-135466106-TAG-T. GRCh37 (hg19) VCF-style: chr6-135787244-TAG-T.
Other names: c.455_456del, p.Ser152fs (NM_001134830.2, NM_001134832.2, NM_001350503.2 and 2 more transcripts); short protein forms S152fs.
Identifiers: ClinVar variation 4894100 (VCV004894100.2).

ClinVar aggregate classification (germline): Pathogenic/Likely pathogenic. Review status: criteria provided, multiple submitters, no conflicts (2 of 4 stars). 2 submissions from 2 submitters: Pathogenic (1); Likely pathogenic (1). Last evaluated 2025-10-24.

Conditions:
Joubert syndrome 3 (JBTS3). Also called: AHI1-related Ciliopathy. Identifiers: Orphanet 220493, MedGen C1837713, MONDO:0012078, OMIM 608629.
AHI1-related disorder. Also called: AHI1-related condition.

Submissions (2):

Myriad Genetics, Inc.
Classification: Pathogenic for Joubert syndrome 3. Last evaluated: 2025-10-24. Review status: criteria provided, single submitter. Criteria: Myriad Autosomal Dominant, Autosomal Recessive and X-Linked Classification Criteria (2023). Collection method: clinical testing. Allele origin: unknown.
Comment: NM_001134831.1(AHI1):c.455_456delCT(S152Yfs*14) is expected to be pathogenic in the context of Joubert syndrome, AHI1-related. This variant is predicted to lead to an abnormal or absent protein product due to the creation of a premature termination codon in AHI1, a gene where loss-of-function variants are known to be pathogenic. Please note: this variant was assessed in the context of healthy population screening.

Blueprint Genetics
Classification: Likely pathogenic for AHI1-related disorders. Last evaluated: 2021-08-30. Review status: criteria provided, single submitter. Criteria: ACMG Guidelines, 2015. Collection method: clinical testing. Allele origin: germline. Affected: yes. Observed: 1 variant allele.